The following is an entry in ClinVar:

NM_001365536.1(SCN9A):c.650_651delinsCT (p.Arg217Thr)

Gene: SCN9A (sodium voltage-gated channel alpha subunit 9; minus strand). Cytogenetic location: 2q24.3.
Variant type: Indel.
Coding change: c.650_651delinsCT on transcript NM_001365536.1 (MANE Select); coding-DNA positions 650 to 651, GA replaced by CT.
Protein change: p.Arg217Thr; replaces arginine 217 with threonine.
Molecular consequence: missense variant.
Genome position (GRCh38, 1-based): chr2:166,304,275-166,304,276, TC replaced by AG on the plus strand (GA replaced by CT on the coding strand, the reverse complement: SCN9A is on the minus strand). VCF-style: chr2-166304275-TC-AG. GRCh37 (hg19) VCF-style: chr2-167160785-TC-AG.
Other names: c.650_651delGAinsCT, p.Arg217Thr (NM_002977.4); short protein forms R217T.
Identifiers: ClinVar variation 2006927 (VCV002006927.4), dbSNP rs2468123608, ClinGen allele CA2580064345.

ClinVar aggregate classification (germline): Uncertain significance (1 of 4 stars; one submission).

Conditions:
Generalized epilepsy with febrile seizures plus, type 7 (GEFSP7). Also called: GEFS+, TYPE 7. Identifiers: Orphanet 36387, MedGen C2751778, MONDO:0013470, OMIM 613863.
Neuropathy, hereditary sensory and autonomic, type 2A (HSAN2A). Also called: HSAN IIA; ACROOSTEOLYSIS, GIACCAI TYPE; ACROOSTEOLYSIS, NEUROGENIC; MORVAN DISEASE; NEUROPATHY, CONGENITAL SENSORY; NEUROPATHY, HEREDITARY SENSORY RADICULAR, AUTOSOMAL RECESSIVE. Identifiers: Orphanet 970, MedGen C2752089, MONDO:0024309, OMIM 201300.

Submission:

Labcorp Genetics (formerly Invitae), Labcorp
Classification: Uncertain significance for Neuropathy, hereditary sensory and autonomic, type 2A; Generalized epilepsy with febrile seizures plus, type 7. Last evaluated: 2022-06-15. Review status: criteria provided, single submitter. Criteria: Invitae Variant Classification Sherloc (09022015). Collection method: clinical testing. Allele origin: germline.
Comment: This sequence change replaces arginine, which is basic and polar, with threonine, which is neutral and polar, at codon 217 of the SCN9A protein (p.Arg217Thr). Information on the frequency of this variant in the gnomAD database is not available, as this variant may be reported differently in the database. This variant has not been reported in the literature in individuals affected with SCN9A-related conditions. Algorithms developed to predict the effect of missense changes on protein structure and function are either unavailable or do not agree on the potential impact of this missense change (SIFT: "Not Available"; PolyPhen-2: "Probably Damaging"; Align-GVGD: "Not Available"). In summary, the available evidence is currently insufficient to determine the role of this variant in disease. Therefore, it has been classified as a Variant of Uncertain Significance.